The following is an entry in ClinVar:

NM_006904.7(PRKDC):c.6530A>G (p.Asn2177Ser)

Gene: PRKDC (protein kinase, DNA-activated, catalytic subunit; minus strand). Cytogenetic location: 8q11.21.
Variant type: single nucleotide variant.
Coding change: c.6530A>G on transcript NM_006904.7 (MANE Select); coding-DNA position 6530, A replaced by G.
Protein change: p.Asn2177Ser; replaces asparagine 2177 with serine.
Molecular consequence: missense variant.
Genome position (GRCh38, 1-based): chr8:47,857,235, T>C on the plus strand (A>G on the coding strand, the complement: PRKDC is on the minus strand). VCF-style: chr8-47857235-T-C. GRCh37 (hg19) VCF-style: chr8-48769796-T-C.
Other names: c.6530A>G, p.Asn2177Ser (NM_001081640.2); short protein forms N2177S.
Identifiers: ClinVar variation 1357531 (VCV001357531.4), dbSNP rs746404556, ClinGen allele CA4740325.

ClinVar aggregate classification (germline): Uncertain significance (1 of 4 stars; one submission).

Conditions:
Severe combined immunodeficiency due to DNA-PKcs deficiency. Also called: IMMUNODEFICIENCY 26 WITH NEUROLOGIC ABNORMALITIES; Immunodeficiency 26 with or without neurologic abnormalities. Identifiers: Orphanet 317425, MedGen C4014833, MONDO:0014423, OMIM 615966.

Allele frequency attached by ClinVar (database versions not stated): gnomAD 0.00001; gnomAD exomes 0.00001 and 0.00005; ExAC 0.00002; TOPMed 0.00002.
gnomAD v4.1: 68 of 1,613,914 alleles (0.0042%); highest among the groups gnomAD compares: Non-Finnish European, 0.0055%; no homozygotes.

Submission:

Labcorp Genetics (formerly Invitae), Labcorp
Classification: Uncertain significance for Severe combined immunodeficiency due to DNA-PKcs deficiency. Last evaluated: 2024-02-24. Review status: criteria provided, single submitter. Criteria: Invitae Variant Classification Sherloc (09022015). Collection method: clinical testing. Allele origin: germline.
Comment: This sequence change replaces asparagine, which is neutral and polar, with serine, which is neutral and polar, at codon 2177 of the PRKDC protein (p.Asn2177Ser). This variant is present in population databases (rs746404556, gnomAD 0.006%). This variant has not been reported in the literature in individuals affected with PRKDC-related conditions. ClinVar contains an entry for this variant (Variation ID: 1357531). Advanced modeling of protein sequence and biophysical properties (such as structural, functional, and spatial information, amino acid conservation, physicochemical variation, residue mobility, and thermodynamic stability) performed at Invitae indicates that this missense variant is not expected to disrupt PRKDC protein function with a negative predictive value of 80%. In summary, the available evidence is currently insufficient to determine the role of this variant in disease. Therefore, it has been classified as a Variant of Uncertain Significance.